The following is an entry in ClinVar:

ClinVar aggregate classification (germline): Pathogenic (1 of 4 stars; one submission).

Conditions:
Breast-ovarian cancer, familial, susceptibility to, 2 (BROVCA2). Also called: BRCA2 Hereditary Breast and Ovarian Cancer. Identifiers: Orphanet 145, MedGen C2675520, MONDO:0012933, OMIM 612555. Disease mechanism: loss of function.

Submission:

Myriad Genetics, Inc.
Classification: Pathogenic for Breast-ovarian cancer, familial, susceptibility to, 2. Last evaluated: 2023-01-17. Review status: criteria provided, single submitter. Criteria: Myriad Autosomal Dominant, Autosomal Recessive and X-Linked Classification Criteria (2023). Collection method: clinical testing. Allele origin: unknown.
Comment: This variant is considered pathogenic. This variant creates a frameshift predicted to result in premature protein truncation.

NM_000059.4(BRCA2):c.2415del (p.Asp806fs)

Gene: BRCA2 (BRCA2 DNA repair associated; plus strand). Cytogenetic location: 13q13.1.
Variant type: Deletion.
Coding change: c.2415del on transcript NM_000059.4 (MANE Select); coding-DNA position 2415, one base deleted (T; older notation c.2415delT).
Protein change: p.Asp806fs; shifts the reading frame from aspartic acid 806.
Molecular consequence: frameshift variant.
Genome position (GRCh38, 1-based): chr13:32,336,770, T deleted. VCF-style (leftmost placement, unchanged base first): chr13-32336769-CT-C. GRCh37 (hg19) VCF-style: chr13-32910906-CT-C.
Other names: c.2415delT, p.Asp806Metfs (NM_001406719.1, NM_001406720.1); short protein forms D806fs.
Identifiers: ClinVar variation 2431256 (VCV002431256.1), dbSNP rs2548523829, ClinGen allele CA2580087268.
Genomic context (GRCh38, chr13:32,336,769, plus strand): 5'-TTTCTAGAGGCAAAGAATCATACAAAATGTCAGACAAGCTCAAAGGTAACAATTATGAAT[CT>C]GATGTTGAATTAACCAAAAATATTCCCATGGAAAAGAATCAAGATGTATGTGCTTTAAAT-3'